The following is an entry in ClinVar:

ClinVar aggregate classification (germline): Uncertain significance. Review status: criteria provided, multiple submitters, no conflicts (2 of 4 stars). 2 submissions from 2 submitters: Uncertain significance (2). Last evaluated 2025-01-02.

Conditions:
Inborn genetic diseases. Identifiers: MedGen C0950123, MeSH D030342.

Allele frequency attached by ClinVar (database versions not stated): TOPMed below 0.00001; ExAC 0.00001; gnomAD 0.00001; gnomAD exomes 0.00001.
gnomAD v4.1: 10 of 1,613,998 alleles (0.00062%); highest among the groups gnomAD compares: Admixed American, 0.0017%; no homozygotes.

Submissions (2):

Labcorp Genetics (formerly Invitae), Labcorp
Classification: Uncertain significance. Last evaluated: 2025-01-02. Review status: criteria provided, single submitter. Criteria: Invitae Variant Classification Sherloc (09022015). Collection method: clinical testing. Allele origin: germline.
Comment: This sequence change replaces glutamic acid, which is acidic and polar, with lysine, which is basic and polar, at codon 665 of the ATR protein (p.Glu665Lys). This variant is present in population databases (rs750384158, gnomAD 0.003%). This variant has not been reported in the literature in individuals affected with ATR-related conditions. ClinVar contains an entry for this variant (Variation ID: 1784016). An algorithm developed to predict the effect of missense changes on protein structure and function (PolyPhen-2) suggests that this variant is likely to be disruptive. In summary, the available evidence is currently insufficient to determine the role of this variant in disease. Therefore, it has been classified as a Variant of Uncertain Significance.

Ambry Genetics
Classification: Uncertain significance for Inborn genetic diseases. Last evaluated: 2024-04-19. Review status: criteria provided, single submitter. Criteria: Ambry Variant Classification Scheme 2023. Collection method: clinical testing. Allele origin: germline.

NM_001184.4(ATR):c.1993G>A (p.Glu665Lys)

Gene: ATR (ATR checkpoint kinase; minus strand). Cytogenetic location: 3q23.
Variant type: single nucleotide variant.
Coding change: c.1993G>A on transcript NM_001184.4 (MANE Select); coding-DNA position 1993, G replaced by A.
Protein change: p.Glu665Lys; replaces glutamic acid 665 with lysine.
Molecular consequence: missense variant.
Genome position (GRCh38, 1-based): chr3:142,556,468, C>T on the plus strand (G>A on the coding strand, the complement: ATR is on the minus strand). VCF-style: chr3-142556468-C-T. GRCh37 (hg19) VCF-style: chr3-142275310-C-T.
Other names: c.1801G>A, p.Glu601Lys (NM_001354579.2); short protein forms E601K, E665K.
Identifiers: ClinVar variation 1784016 (VCV001784016.4), dbSNP rs750384158, ClinGen allele CA2650456.